The following is an entry in ClinVar:

NM_004444.5(EPHB4):c.167G>A (p.Arg56His)

Gene: EPHB4 (EPH receptor B4; minus strand). Cytogenetic location: 7q22.1.
Variant type: single nucleotide variant.
Coding change: c.167G>A on transcript NM_004444.5 (MANE Select); coding-DNA position 167, G replaced by A.
Protein change: p.Arg56His; replaces arginine 56 with histidine.
Molecular consequence: missense variant.
Genome position (GRCh38, 1-based): chr7:100,823,888, C>T on the plus strand (G>A on the coding strand, the complement: EPHB4 is on the minus strand). VCF-style: chr7-100823888-C-T. GRCh37 (hg19) VCF-style: chr7-100421510-C-T.
Other names: short protein forms R56H.
Identifiers: ClinVar variation 2562049 (VCV002562049.3), dbSNP rs951495096, ClinGen allele CA163288089.
Genomic context (GRCh38, chr7:100,823,888, plus strand): 5'-CCTGTGCGAAGCCAGTGGGCCTGGCCCGGGGCACGCTGCACGTCACACACTTCGTAGGTG[C>T]GCACGCTGTGCTGTTCCTCATCCAGGCCGCTCAGTTCCTCCCACTGTGCAGAGAAGGAGG-3'
Protein context (NP_004435.3, residues 46-66): SGLDEEQHSV[Arg56His]TYEVCDVQRA

ClinVar aggregate classification (germline): Uncertain significance. Review status: criteria provided, multiple submitters, no conflicts (2 of 4 stars). 2 submissions from 2 submitters: Uncertain significance (2). Last evaluated 2025-01-08.

Conditions:
Cardiovascular phenotype. Identifiers: MedGen CN230736.

Allele frequency attached by ClinVar (database versions not stated): TOPMed below 0.00001; gnomAD 0.00001.
gnomAD v4.1: 20 of 1,606,914 alleles (0.0012%); highest among the groups gnomAD compares: East Asian, 0.0022%; no homozygotes.

Submissions (2):

GeneDx
Classification: Uncertain significance. Last evaluated: 2025-01-08. Review status: criteria provided, single submitter. Criteria: GeneDx Variant Classification Process June 2021. Collection method: clinical testing. Allele origin: germline. Affected: yes.
Comment: Not observed at significant frequency in large population cohorts (gnomAD); In silico analysis supports that this missense variant has a deleterious effect on protein structure/function; Has not been previously published as pathogenic or benign to our knowledge

Ambry Genetics
Classification: Uncertain significance for Cardiovascular phenotype. Last evaluated: 2023-05-15. Review status: criteria provided, single submitter. Criteria: Ambry Variant Classification Scheme 2023. Collection method: clinical testing. Allele origin: germline.
Comment: The p.R56H variant (also known as c.167G>A), located in coding exon 3 of the EPHB4 gene, results from a G to A substitution at nucleotide position 167. The arginine at codon 56 is replaced by histidine, an amino acid with highly similar properties. This amino acid position is conserved. In addition, the in silico prediction for this alteration is inconclusive. Since supporting evidence is limited at this time, the clinical significance of this alteration remains unclear.